The following is an entry in ClinVar:

ClinVar aggregate classification (germline): Conflicting classifications of pathogenicity. Review status: criteria provided, conflicting classifications (1 of 4 stars). 5 submissions from 5 submitters: Uncertain significance (4); Likely benign (1). Last evaluated 2023-10-02.

Conditions:
TPM1-related disorder. Also called: TPM1-related condition.
Cardiomyopathy (CMYO). Also called: Cardiomyopathies. Identifiers: Orphanet 167848, MedGen C0878544, MONDO:0004994, HP:0001638. Inheritance: Various modes of inheritance.

gnomAD v4.1: 14 of 1,613,968 alleles (0.00087%); highest among the groups gnomAD compares: Admixed American, 0.0033%; no homozygotes.

Submissions (5):

PreventionGenetics, part of Exact Sciences
Classification: Uncertain significance for TPM1-related condition. Last evaluated: 2023-10-02. Review status: criteria provided, single submitter. Criteria: ACMG Guidelines, 2015. Collection method: clinical testing. Allele origin: germline.
Comment: The TPM1 c.571C>T variant is predicted to result in premature protein termination (p.Arg191*). To our knowledge, this variant has not been reported in the literature. This variant is reported in 0.0062% of alleles in individuals of African descent in gnomAD. Of note, loss of function variants have not commonly been reported in the TPM1 gene. At this time, the clinical significance of this variant is uncertain due to the absence of conclusive functional and genetic evidence.

Blueprint Genetics
Classification: Uncertain significance. Last evaluated: 2020-03-25. Review status: criteria provided, single submitter. Criteria: ACMG Guidelines, 2015. Collection method: clinical testing. Allele origin: germline.

Color Diagnostics, LLC DBA Color Health
Classification: Likely benign for Cardiomyopathy. Last evaluated: 2018-12-03. Review status: criteria provided, single submitter. Criteria: ACMG Guidelines, 2015. Collection method: clinical testing. Allele origin: germline.

GeneDx
Classification: Uncertain significance. Last evaluated: 2017-09-06. Review status: criteria provided, single submitter. Criteria: GeneDx Variant Classification (06012015). Collection method: clinical testing. Allele origin: germline. Affected: yes.
Comment: A variant of uncertain significance has been identified in an alternate transcript of the TPM1 gene. The R191X variant has not been published as pathogenic or been reported as benign to our knowledge. This variant is not observed at a significant frequency in large population cohorts (Lek et al., 2016; 1000 Genomes Consortium et al., 2015; Exome Variant Server). R191X is predicted to cause loss of normal protein function either by protein truncation or nonsense-mediated mRNA decay. However, loss of function is not a known mechanism of disease for the TPM1 gene. Furthermore, no nonsense variants in this transcript of the TPM1 gene have been reported in Human Gene Mutation Database (Stenson et al., 2014).

Biesecker Lab/Clinical Genomics Section, National Institutes of Health
Classification: Uncertain significance. Last evaluated: 2013-06-24. Review status: criteria provided, single submitter. Criteria: Ng et al. (Circ Cardiovasc Genet. 2013). Collection method: research. Allele origin: unknown. Observed: 1 variant allele. Study: ClinSeq.
Comment: The study set was not selected for affection status in relation to any cancer. Pathogenicity categories were based on literature curation. See Pubmed ID:23861362 for details.

Medical sequencing

NM_001018005.2(TPM1):c.563+266C>T

Gene: TPM1 (tropomyosin 1; plus strand). Cytogenetic location: 15q22.2.
Variant type: single nucleotide variant.
Coding change: c.563+266C>T on transcript NM_001018005.2 (MANE Select); 266 bases into the intron after coding-DNA position 563, C replaced by T.
Molecular consequence: intron variant. On other transcripts: nonsense (6).
Genome position (GRCh38, 1-based): chr15:63,061,205, C>T. VCF-style: chr15-63061205-C-T. GRCh37 (hg19) VCF-style: chr15-63353404-C-T.
Other names: c.571C>T (NM_001018020.1); c.571C>T, p.Arg191Ter (NM_000366.6, NM_001018006.2, NM_001018020.2); c.463C>T, p.Arg155Ter (NM_001330344.2, NM_001330351.2, NM_001365781.2); c.689+266C>T (NM_001365778.1); c.563+266C>T (NM_001018007.2, NM_001365776.1, NM_001018004.2 and 3 more transcripts); c.455+266C>T (NM_001018008.2, NM_001301289.2, NM_001365782.1 and 2 more transcripts); short protein forms R191*, R155*.
Identifiers: ClinVar variation 191802 (VCV000191802.6), dbSNP rs201813515, ClinGen allele CA018160.